The following is an entry in ClinVar:

NM_024589.3(ROGDI):c.151G>A (p.Gly51Ser)

Gene: ROGDI (rogdi atypical leucine zipper; minus strand). Cytogenetic location: 16p13.3.
Variant type: single nucleotide variant.
Coding change: c.151G>A on transcript NM_024589.3 (MANE Select); coding-DNA position 151, G replaced by A.
Protein change: p.Gly51Ser; replaces glycine 51 with serine.
Molecular consequence: missense variant. On other transcripts: non-coding transcript variant (1).
Genome position (GRCh38, 1-based): chr16:4,801,552, C>T on the plus strand (G>A on the coding strand, the complement: ROGDI is on the minus strand). VCF-style: chr16-4801552-C-T. GRCh37 (hg19) VCF-style: chr16-4851553-C-T.
Other names: short protein forms G51S.
Identifiers: ClinVar variation 1017422 (VCV001017422.9), dbSNP rs768939862, ClinGen allele CA7882946.

ClinVar aggregate classification (germline): Uncertain significance (1 of 4 stars; one submission).

Conditions:
Amelocerebrohypohidrotic syndrome (KTZS). Also called: KOHLSCHUTTER SYNDROME; Kohlschutter's syndrome; EPILEPSY AND YELLOW TEETH; EPILEPSY, DEMENTIA, AND AMELOGENESIS IMPERFECTA. Identifiers: Orphanet 1946, MedGen C0406740, MONDO:0009185, OMIM 226750.

Allele frequency attached by ClinVar (database versions not stated): gnomAD exomes 0.00001; ExAC 0.00003.
gnomAD v4.1: 12 of 1,606,252 alleles (0.00075%); highest among the groups gnomAD compares: South Asian, 0.0034%; no homozygotes.

Submission:

Labcorp Genetics (formerly Invitae), Labcorp
Classification: Uncertain significance for Amelocerebrohypohidrotic syndrome. Last evaluated: 2021-05-26. Review status: criteria provided, single submitter. Criteria: Invitae Variant Classification Sherloc (09022015). Collection method: clinical testing. Allele origin: germline.
Comment: This sequence change replaces glycine with serine at codon 51 of the ROGDI protein (p.Gly51Ser). The glycine residue is weakly conserved and there is a small physicochemical difference between glycine and serine. This variant is present in population databases (rs768939862, ExAC 0.03%). In summary, the available evidence is currently insufficient to determine the role of this variant in disease. Therefore, it has been classified as a Variant of Uncertain Significance. Algorithms developed to predict the effect of sequence changes on RNA splicing suggest that this variant may create or strengthen a splice site, but this prediction has not been confirmed by published transcriptional studies. Algorithms developed to predict the effect of missense changes on protein structure and function output the following: SIFT: "Tolerated"; PolyPhen-2: "Benign"; Align-GVGD: "Class C0". The serine amino acid residue is found in multiple mammalian species, suggesting that this missense change does not adversely affect protein function. These predictions have not been confirmed by published functional studies and their clinical significance is uncertain. This variant has not been reported in the literature in individuals with ROGDI-related conditions.